The following is an entry in ClinVar:

NM_001003787.4(STRADA):c.535G>T (p.Val179Leu)

Genes: STRADA (STE20 related adaptor alpha; minus strand), LOC125312417 (Sharpr-MPRA regulatory region 9817; plus strand). Cytogenetic location: 17q23.3.
Variant type: single nucleotide variant.
Coding change: c.535G>T on transcript NM_001003787.4 (MANE Select); coding-DNA position 535, G replaced by T.
Protein change: p.Val179Leu; replaces valine 179 with leucine.
Molecular consequence: missense variant. On other transcripts: non-coding transcript variant (1).
Genome position (GRCh38, 1-based): chr17:63,710,537, C>A on the plus strand (G>T on the coding strand, the complement: STRADA is on the minus strand). VCF-style: chr17-63710537-C-A. GRCh37 (hg19) VCF-style: chr17-61787897-C-A.
Other names: c.424G>T, p.Val142Leu (NM_001003786.3, NM_001363789.1, NM_153335.6); c.361G>T, p.Val121Leu (NM_001003788.3, NM_001363790.1, NM_001363791.1); c.448G>T, p.Val150Leu (NM_001165969.2, NM_001363787.1); c.403G>T, p.Val135Leu (NM_001165970.2); c.511G>T, p.Val171Leu (NM_001363786.1); c.535G>T, p.Val179Leu (NM_001363788.1); short protein forms V179L, V121L, V150L, V135L, V142L, V171L.
Identifiers: ClinVar variation 536754 (VCV000536754.9), dbSNP rs777475313, ClinGen allele CA8703368.

ClinVar aggregate classification (germline): Uncertain significance. Review status: criteria provided, multiple submitters, no conflicts (2 of 4 stars). 2 submissions from 2 submitters: Uncertain significance (2). Last evaluated 2025-12-08.

Conditions:
Inborn genetic diseases. Identifiers: MedGen C0950123, MeSH D030342.
Polyhydramnios, megalencephaly, and symptomatic epilepsy (PMSE). Also called: PMSE SYNDROME. Identifiers: Orphanet 500533, MedGen C1970203, MONDO:0012611, OMIM 611087.

Allele frequency attached by ClinVar (database versions not stated): gnomAD exomes 0.00002; gnomAD 0.00003 and 0.00004; TOPMed 0.00003.

Submissions (2):

Labcorp Genetics (formerly Invitae), Labcorp
Classification: Uncertain significance for Polyhydramnios, megalencephaly, and symptomatic epilepsy. Last evaluated: 2025-12-08. Review status: criteria provided, single submitter. Criteria: Invitae Variant Classification Sherloc (09022015). Collection method: clinical testing. Allele origin: germline.
Comment: This sequence change replaces valine, which is neutral and non-polar, with leucine, which is neutral and non-polar, at codon 179 of the STRADA protein (p.Val179Leu). This variant is present in population databases (rs777475313, gnomAD 0.004%). This variant has not been reported in the literature in individuals affected with STRADA-related conditions. ClinVar contains an entry for this variant (Variation ID: 536754). An algorithm developed to predict the effect of missense changes on protein structure and function (PolyPhen-2) suggests that this variant is likely to be tolerated. In summary, the available evidence is currently insufficient to determine the role of this variant in disease. Therefore, it has been classified as a Variant of Uncertain Significance.

Ambry Genetics
Classification: Uncertain significance for Inborn genetic diseases. Last evaluated: 2023-06-06. Review status: criteria provided, single submitter. Criteria: Ambry Variant Classification Scheme 2023. Collection method: clinical testing. Allele origin: germline.